The following is an entry in ClinVar:

ClinVar aggregate classification (germline): Conflicting classifications of pathogenicity. Review status: criteria provided, conflicting classifications (1 of 4 stars). 6 submissions from 6 submitters: Uncertain significance (2); Likely benign (4). Last evaluated 2025-07-30.

Conditions:
Cardiovascular phenotype. Identifiers: MedGen CN230736.
Dilated cardiomyopathy 1G (CMD1G). Identifiers: Orphanet 154, MedGen C1858763, MONDO:0011400, OMIM 604145.
Autosomal recessive limb-girdle muscular dystrophy type 2J (LGMDR10). Also called: MUSCULAR DYSTROPHY, LIMB-GIRDLE, AUTOSOMAL RECESSIVE 10; Limb-girdle muscular dystrophy, type 2J. Identifiers: Orphanet 140922, MedGen C1837342, MONDO:0012127, OMIM 608807.

Allele frequency attached by ClinVar (database versions not stated): gnomAD exomes below 0.00001.
gnomAD v4.1: 1 of 1,613,840 alleles (0.000062%); highest among the groups gnomAD compares: Non-Finnish European, 0.000085%; no homozygotes.

Submissions (6):

Labcorp Genetics (formerly Invitae), Labcorp
Classification: Likely benign for Dilated cardiomyopathy 1G; Autosomal recessive limb-girdle muscular dystrophy type 2J. Last evaluated: 2025-07-30. Review status: criteria provided, single submitter. Criteria: Invitae Variant Classification Sherloc (09022015). Collection method: clinical testing. Allele origin: germline.

Women's Health and Genetics/Laboratory Corporation of America, LabCorp
Classification: Likely benign. Last evaluated: 2022-05-21. Review status: criteria provided, single submitter. Criteria: LabCorp Variant Classification Summary - May 2015. Collection method: clinical testing. Allele origin: germline.

Ambry Genetics
Classification: Likely benign for Cardiovascular phenotype. Last evaluated: 2020-05-22. Review status: criteria provided, single submitter. Criteria: Ambry Variant Classification Scheme 2023. Collection method: clinical testing. Allele origin: germline.

CeGaT Center for Human Genetics Tuebingen
Classification: Uncertain significance. Last evaluated: 2018-06-01. Review status: criteria provided, single submitter. Criteria: CeGaT Center For Human Genetics Tuebingen Variant Classification Criteria Version 2. Collection method: clinical testing. Allele origin: germline. Affected: yes. Observed: 1 variant allele.

GeneDx
Classification: Likely benign. Last evaluated: 2017-11-21. Review status: criteria provided, single submitter. Criteria: GeneDx Variant Classification (06012015). Collection method: clinical testing. Allele origin: germline. Affected: yes.
Comment: This variant is considered likely benign or benign based on one or more of the following criteria: it is a conservative change, it occurs at a poorly conserved position in the protein, it is predicted to be benign by multiple in silico algorithms, and/or has population frequency not consistent with disease.

Eurofins Ntd Llc (ga)
Classification: Uncertain significance. Last evaluated: 2017-07-12. Review status: criteria provided, single submitter. Criteria: EGL Classification Definitions 2015. Collection method: clinical testing. Allele origin: germline. Observed: 2 variant alleles, 2 heterozygotes.

NM_001267550.2(TTN):c.89457A>G (p.Gly29819=)

Genes: TTN (titin; minus strand), TTN-AS1 (TTN antisense RNA 1; plus strand). Cytogenetic location: 2q31.2.
Variant type: single nucleotide variant.
Coding change: c.89457A>G on transcript NM_001267550.2 (MANE Select); coding-DNA position 89457, A replaced by G.
Protein change: p.Gly29819=; no amino-acid change (glycine 29819 retained).
Molecular consequence: synonymous variant.
Genome position (GRCh38, 1-based): chr2:178,553,548, T>C on the plus strand (A>G on the coding strand, the complement: TTN is on the minus strand). VCF-style: chr2-178553548-T-C. GRCh37 (hg19) VCF-style: chr2-179418275-T-C.
Other names: c.84534A>G, p.Gly28178= (NM_001256850.1); c.62262A>G, p.Gly20754= (NM_003319.4); c.81753A>G, p.Gly27251= (NM_133378.4); c.62637A>G, p.Gly20879= (NM_133432.3); c.62838A>G, p.Gly20946= (NM_133437.4).
Identifiers: ClinVar variation 513717 (VCV000513717.55), dbSNP rs1553542686, ClinGen allele CA430246073.
Genomic context (GRCh38, chr2:178,553,548, plus strand): 5'-CAGTAGGTACATACCAAGTATATCTTTAGCTTGTACAGGTTCATTCATTTCTATAGGTTC[T>C]CCTTGTCCAGCACAGTTTACAGCAGATACCCGGAAGTAGTAATTGACTCCAGGTTTCAGG-3'
Protein context (NP_001254479.2, residues 29809-29829): RVSAVNCAGQ[Gly29819=]EPIEMNEPVQ